The following is an entry in ClinVar:

NM_001134363.3(RBM20):c.3649G>A (p.Gly1217Arg)

Gene: RBM20 (RNA binding motif protein 20; plus strand). Cytogenetic location: 10q25.2.
Variant type: single nucleotide variant.
Coding change: c.3649G>A on transcript NM_001134363.3 (MANE Select); coding-DNA position 3649, G replaced by A.
Protein change: p.Gly1217Arg; replaces glycine 1217 with arginine.
Molecular consequence: missense variant.
Genome position (GRCh38, 1-based): chr10:110,835,943, G>A. VCF-style: chr10-110835943-G-A. GRCh37 (hg19) VCF-style: chr10-112595701-G-A.
Other names: short protein forms G1217R.
Identifiers: ClinVar variation 470615 (VCV000470615.15), dbSNP rs867232627, ClinGen allele CA213237201.

ClinVar aggregate classification (germline): Conflicting classifications of pathogenicity. Review status: criteria provided, conflicting classifications (1 of 4 stars). 4 submissions from 4 submitters: Uncertain significance (3); Likely benign (1). Last evaluated 2025-11-25.

Conditions:
Dilated cardiomyopathy 1DD (CMD1DD). Identifiers: Orphanet 154, MedGen C2750995, MONDO:0013168, OMIM 613172.
Cardiovascular phenotype. Identifiers: MedGen CN230736.

Allele frequency attached by ClinVar (database versions not stated): gnomAD exomes 0.00002; gnomAD 0.00003 and 0.00004; TOPMed 0.00003.
gnomAD v4.1: 32 of 1,400,432 alleles (0.0023%); highest among the groups gnomAD compares: East Asian, 0.063%; no homozygotes.

Submissions (4):

Labcorp Genetics (formerly Invitae), Labcorp
Classification: Likely benign for Dilated cardiomyopathy 1DD. Last evaluated: 2025-11-25. Review status: criteria provided, single submitter. Criteria: Invitae Variant Classification Sherloc (09022015). Collection method: clinical testing. Allele origin: germline.

Molecular Diagnostic Laboratory for Inherited Cardiovascular Disease, Montreal Heart Institute
Classification: Uncertain significance for Cardiovascular phenotype. Last evaluated: 2025-04-09. Review status: criteria provided, single submitter. Criteria: ACMG Guidelines, 2015. Collection method: clinical testing. Allele origin: germline. Affected: yes.

Ambry Genetics
Classification: Uncertain significance for Cardiovascular phenotype. Last evaluated: 2024-01-17. Review status: criteria provided, single submitter. Criteria: Ambry Variant Classification Scheme 2023. Collection method: clinical testing. Allele origin: germline.
Comment: The p.G1217R variant (also known as c.3649G>A), located in coding exon 14 of the RBM20 gene, results from a G to A substitution at nucleotide position 3649. The glycine at codon 1217 is replaced by arginine, an amino acid with dissimilar properties. This amino acid position is highly conserved in available vertebrate species. In addition, this alteration is predicted to be deleterious by in silico analysis. Since supporting evidence is limited at this time, the clinical significance of this alteration remains unclear.

Fulgent Genetics
Classification: Uncertain significance for Dilated cardiomyopathy 1DD. Last evaluated: 2022-01-12. Review status: criteria provided, single submitter. Criteria: ACMG Guidelines, 2015. Collection method: clinical testing. Allele origin: unknown.